The following is an entry in ClinVar:

NM_176806.4(MOCS2):c.57_58del (p.Gly20fs)

Gene: MOCS2 (molybdenum cofactor synthesis 2; minus strand). Cytogenetic location: 5q11.2.
Variant type: Deletion.
Coding change: c.57_58del on transcript NM_176806.4 (MANE Plus Clinical); coding-DNA positions 57 to 58, 2 bases deleted (AG; older notation c.57_58delAG).
Protein change: p.Gly20fs; shifts the reading frame from glycine 20.
Molecular consequence: frameshift variant. On other transcripts: 5 prime UTR variant (1).
Genome position (GRCh38, 1-based): chr5:53,108,604-53,108,605, CT deleted on the plus strand (AG on the coding strand, the reverse complement: MOCS2 is on the minus strand). VCF-style (leftmost placement, unchanged base first): chr5-53108603-CCT-C. GRCh37 (hg19) VCF-style: chr5-52404433-CCT-C.
Other names: c.-131_-130del (NM_004531.5); short protein forms G20fs.
Identifiers: ClinVar variation 1454403 (VCV001454403.8), dbSNP rs764311787, ClinGen allele CA3263810.
Genomic context (GRCh38, chr5:53,108,603, plus strand): 5'-TCCTTCCACAGCTGCAACGCTTTTATTTCTTGAGGCACAGAAATGGTCTCTGAACGAACT[CCT>C]GTTATTTCAGCACTTTTTGCAAAATACAATACTTCAACCTGAAAGTAAAGAAAATGCTTT-3'

ClinVar aggregate classification (germline): Pathogenic (1 of 4 stars; one submission).

Allele frequency attached by ClinVar (database versions not stated): gnomAD 0.00001; gnomAD exomes 0.00001; ExAC 0.00002.

Submission:

Labcorp Genetics (formerly Invitae), Labcorp
Classification: Pathogenic. Last evaluated: 2021-05-10. Review status: criteria provided, single submitter. Criteria: Invitae Variant Classification Sherloc (09022015). Collection method: clinical testing. Allele origin: germline.
Comment: For these reasons, this variant has been classified as Pathogenic. This variant has not been reported in the literature in individuals with MOCS2A-related conditions. This variant is present in population databases (rs764311787, ExAC 0.003%). This sequence change creates a premature translational stop signal (p.Gly20Serfs*30) in the MOCS2A gene. It is expected to result in an absent or disrupted protein product. Loss-of-function variants in MOCS2A are known to be pathogenic (PMID: 21031595).

Literature cited by the submitters: PubMed 21031595.